The following is an entry in ClinVar:

ClinVar aggregate classification (germline): Uncertain significance (1 of 4 stars; one submission).

Submission:

Labcorp Genetics (formerly Invitae), Labcorp
Classification: Uncertain significance. Last evaluated: 2024-04-02. Review status: criteria provided, single submitter. Criteria: Invitae Variant Classification Sherloc (09022015). Collection method: clinical testing. Allele origin: germline.
Comment: This sequence change replaces proline, which is neutral and non-polar, with threonine, which is neutral and polar, at codon 1745 of the CHD3 protein (p.Pro1745Thr). This variant is not present in population databases (gnomAD no frequency). This variant has not been reported in the literature in individuals affected with CHD3-related conditions. ClinVar contains an entry for this variant (Variation ID: 2038895). An algorithm developed to predict the effect of missense changes on protein structure and function (PolyPhen-2) suggests that this variant is likely to be tolerated. In summary, the available evidence is currently insufficient to determine the role of this variant in disease. Therefore, it has been classified as a Variant of Uncertain Significance.

NM_001005273.3(CHD3):c.5056C>A (p.Pro1686Thr)

Gene: CHD3 (chromodomain helicase DNA binding protein 3; plus strand). Cytogenetic location: 17p13.1.
Variant type: single nucleotide variant.
Coding change: c.5056C>A on transcript NM_001005273.3 (MANE Select); coding-DNA position 5056, C replaced by A.
Protein change: p.Pro1686Thr; replaces proline 1686 with threonine.
Molecular consequence: missense variant.
Genome position (GRCh38, 1-based): chr17:7,907,923, C>A. VCF-style: chr17-7907923-C-A. GRCh37 (hg19) VCF-style: chr17-7811241-C-A.
Other names: c.5233C>A, p.Pro1745Thr (NM_001005271.3); c.4954C>A, p.Pro1652Thr (NM_005852.4); short protein forms P1686T, P1652T, P1745T.
Identifiers: ClinVar variation 2038895 (VCV002038895.4), dbSNP rs2545111429, ClinGen allele CA397948271.